The following is an entry in ClinVar:

NM_032608.7(MYO18B):c.43C>G (p.Arg15Gly)

Gene: MYO18B (myosin XVIIIB; plus strand). Cytogenetic location: 22q12.1.
Variant type: single nucleotide variant.
Coding change: c.43C>G on transcript NM_032608.7 (MANE Select); coding-DNA position 43, C replaced by G.
Protein change: p.Arg15Gly; replaces arginine 15 with glycine.
Molecular consequence: missense variant.
Genome position (GRCh38, 1-based): chr22:25,763,234, C>G. VCF-style: chr22-25763234-C-G. GRCh37 (hg19) VCF-style: chr22-26159201-C-G.
Other names: c.43C>G, p.Arg15Gly (NM_001318245.2); short protein forms R15G.
Identifiers: ClinVar variation 3719016 (VCV003719016.2).

ClinVar aggregate classification (germline): Uncertain significance (1 of 4 stars; one submission).

gnomAD v4.1: 4 of 1,607,842 alleles (0.00025%); highest among the groups gnomAD compares: Non-Finnish European, 0.00034%; no homozygotes.

Submission:

Labcorp Genetics (formerly Invitae), Labcorp
Classification: Uncertain significance. Last evaluated: 2024-03-18. Review status: criteria provided, single submitter. Criteria: Invitae Variant Classification Sherloc (09022015). Collection method: clinical testing. Allele origin: germline.
Comment: This sequence change replaces arginine, which is basic and polar, with glycine, which is neutral and non-polar, at codon 15 of the MYO18B protein (p.Arg15Gly). This variant is not present in population databases (gnomAD no frequency). This variant has not been reported in the literature in individuals affected with MYO18B-related conditions. An algorithm developed to predict the effect of missense changes on protein structure and function (PolyPhen-2) suggests that this variant is likely to be disruptive. Algorithms developed to predict the effect of sequence changes on RNA splicing suggest that this variant may create or strengthen a splice site. In summary, the available evidence is currently insufficient to determine the role of this variant in disease. Therefore, it has been classified as a Variant of Uncertain Significance.